The following is an entry in ClinVar:

NM_032608.7(MYO18B):c.1469C>T (p.Pro490Leu)

Gene: MYO18B (myosin XVIIIB; plus strand). Cytogenetic location: 22q12.1.
Variant type: single nucleotide variant.
Coding change: c.1469C>T on transcript NM_032608.7 (MANE Select); coding-DNA position 1469, C replaced by T.
Protein change: p.Pro490Leu; replaces proline 490 with leucine.
Molecular consequence: missense variant.
Genome position (GRCh38, 1-based): chr22:25,769,385, C>T. VCF-style: chr22-25769385-C-T. GRCh37 (hg19) VCF-style: chr22-26165352-C-T.
Other names: c.1469C>T, p.Pro490Leu (NM_001318245.2); c.1469C>T (NM_032608.5); short protein forms P490L.
Identifiers: ClinVar variation 1505179 (VCV001505179.6), dbSNP rs758384659, ClinGen allele CA10159830.

ClinVar aggregate classification (germline): Conflicting classifications of pathogenicity. Review status: criteria provided, conflicting classifications (1 of 4 stars). 2 submissions from 2 submitters: Uncertain significance (1); Likely benign (1). Last evaluated 2025-01-20.

Conditions:
Inborn genetic diseases. Identifiers: MedGen C0950123, MeSH D030342.

Allele frequency attached by ClinVar (database versions not stated): gnomAD exomes 0.00004 and 0.00007; TOPMed 0.00005; gnomAD 0.00008 and 0.00009; ExAC 0.00009.
gnomAD v4.1: 73 of 1,570,560 alleles (0.0046%); highest among the groups gnomAD compares: Middle Eastern, 0.017%; no homozygotes.

Submissions (2):

Labcorp Genetics (formerly Invitae), Labcorp
Classification: Uncertain significance. Last evaluated: 2025-01-20. Review status: criteria provided, single submitter. Criteria: Invitae Variant Classification Sherloc (09022015). Collection method: clinical testing. Allele origin: germline.
Comment: This sequence change replaces proline, which is neutral and non-polar, with leucine, which is neutral and non-polar, at codon 490 of the MYO18B protein (p.Pro490Leu). This variant is present in population databases (rs758384659, gnomAD 0.03%). This variant has not been reported in the literature in individuals affected with MYO18B-related conditions. ClinVar contains an entry for this variant (Variation ID: 1505179). An algorithm developed to predict the effect of missense changes on protein structure and function outputs the following: PolyPhen-2: "Benign". The leucine amino acid residue is found in multiple mammalian species, which suggests that this missense change does not adversely affect protein function. In summary, the available evidence is currently insufficient to determine the role of this variant in disease. Therefore, it has been classified as a Variant of Uncertain Significance.

Ambry Genetics
Classification: Likely benign for Inborn genetic diseases. Last evaluated: 2022-05-30. Review status: criteria provided, single submitter. Criteria: Ambry Variant Classification Scheme 2023. Collection method: clinical testing. Allele origin: germline.